The following is an entry in ClinVar:

NM_021098.3(CACNA1H):c.443C>G (p.Ala148Gly)

Gene: CACNA1H (calcium voltage-gated channel subunit alpha1 H; plus strand). Cytogenetic location: 16p13.3.
Variant type: single nucleotide variant.
Coding change: c.443C>G on transcript NM_021098.3 (MANE Select); coding-DNA position 443, C replaced by G.
Protein change: p.Ala148Gly; replaces alanine 148 with glycine.
Molecular consequence: missense variant.
Genome position (GRCh38, 1-based): chr16:1,195,463, C>G. VCF-style: chr16-1195463-C-G. GRCh37 (hg19) VCF-style: chr16-1245463-C-G.
Other names: c.443C>G, p.Ala148Gly (NM_001005407.2); short protein forms A148G.
Identifiers: ClinVar variation 1721729 (VCV001721729.5), dbSNP rs750887213, ClinGen allele CA394152602.

ClinVar aggregate classification (germline): Uncertain significance (1 of 4 stars; one submission).

Conditions:
Idiopathic generalized epilepsy. Also called: EIG; Generalised epilepsy. Identifiers: MedGen C0270850, MONDO:0005579, OMIM 600669.
Hyperaldosteronism, familial, type IV (HALD4). Also called: FH IV; ALDOSTERONISM, PRIMARY, AND HYPERTENSION. Identifiers: Orphanet 642671, MedGen C4310756, MONDO:0014875, OMIM 617027.

Submission:

Labcorp Genetics (formerly Invitae), Labcorp
Classification: Uncertain significance for Idiopathic generalized epilepsy; Hyperaldosteronism, familial, type IV. Last evaluated: 2023-10-22. Review status: criteria provided, single submitter. Criteria: Invitae Variant Classification Sherloc (09022015). Collection method: clinical testing. Allele origin: germline.
Comment: This sequence change replaces alanine, which is neutral and non-polar, with glycine, which is neutral and non-polar, at codon 148 of the CACNA1H protein (p.Ala148Gly). This variant is not present in population databases (gnomAD no frequency). This variant has not been reported in the literature in individuals affected with CACNA1H-related conditions. ClinVar contains an entry for this variant (Variation ID: 1721729). Advanced modeling of protein sequence and biophysical properties (such as structural, functional, and spatial information, amino acid conservation, physicochemical variation, residue mobility, and thermodynamic stability) performed at Invitae indicates that this missense variant is expected to disrupt CACNA1H protein function. In summary, the available evidence is currently insufficient to determine the role of this variant in disease. Therefore, it has been classified as a Variant of Uncertain Significance.